The following is an entry in ClinVar:

NM_001723.7(DST):c.4171_4172delinsAT (p.Ala1391Ile)

Gene: DST (dystonin; minus strand). Cytogenetic location: 6p12.1.
Variant type: Indel.
Coding change: c.4171_4172delinsAT on transcript NM_001723.7 (MANE Plus Clinical); coding-DNA positions 4171 to 4172, GC replaced by AT.
Protein change: p.Ala1391Ile; replaces alanine 1391 with isoleucine.
Molecular consequence: missense variant. On other transcripts: intron variant (10).
Genome position (GRCh38, 1-based): chr6:56,619,862-56,619,863, GC replaced by AT on the plus strand (GC replaced by AT on the coding strand, the reverse complement: DST is on the minus strand). VCF-style: chr6-56619862-GC-AT. GRCh37 (hg19) VCF-style: chr6-56484660-GC-AT.
Other names: c.4830+4667_4830+4668delinsAT (NM_001144769.5); c.4929+4667_4929+4668delinsAT (NM_001374722.1, NM_001374736.1); c.4956+4667_4956+4668delinsAT (NM_001374734.1); c.4416+4667_4416+4668delinsAT (NM_001144770.2); c.4296+4667_4296+4668delinsAT (NM_001374730.1, NM_001386100.1, NM_183380.4 and 1 more transcripts); c.3318+4667_3318+4668delinsAT (NM_015548.5); short protein forms A1391I.
Identifiers: ClinVar variation 3359891 (VCV003359891.2).

ClinVar aggregate classification (germline): Uncertain significance (1 of 4 stars; one submission).

Submission:

GeneDx
Classification: Uncertain significance. Last evaluated: 2025-12-10. Review status: criteria provided, single submitter. Criteria: GeneDx Variant Classification Process June 2021. Collection method: clinical testing. Allele origin: germline.
Comment: Not observed at significant frequency in large population cohorts (gnomAD); In silico analysis suggests that this variant does not alter protein structure/function; Has not been previously published as pathogenic or benign to our knowledge